The following is an entry in ClinVar:

NM_000038.6(APC):c.7966G>A (p.Asp2656Asn)

Gene: APC (APC regulator of Wnt signaling pathway; plus strand). Cytogenetic location: 5q22.2.
Variant type: single nucleotide variant.
Coding change: c.7966G>A on transcript NM_000038.6 (MANE Select); coding-DNA position 7966, G replaced by A.
Protein change: p.Asp2656Asn; replaces aspartic acid 2656 with asparagine.
Molecular consequence: missense variant.
Genome position (GRCh38, 1-based): chr5:112,843,560, G>A. VCF-style: chr5-112843560-G-A. GRCh37 (hg19) VCF-style: chr5-112179257-G-A.
Other names: c.7966G>A, p.Asp2656Asn (NM_001127510.3, NM_001354895.2); c.7912G>A, p.Asp2638Asn (NM_001127511.3); c.8020G>A, p.Asp2674Asn (NM_001354896.2); c.7996G>A, p.Asp2666Asn (NM_001354897.2); c.7891G>A, p.Asp2631Asn (NM_001354898.2); c.7882G>A, p.Asp2628Asn (NM_001354899.2); c.7843G>A, p.Asp2615Asn (NM_001354900.2); c.7789G>A, p.Asp2597Asn (NM_001354901.2); and 5 more; short protein forms D2638N, D2656N, D2565N, D2615N, D2666N, D2628N, D2674N, D2496N.
Identifiers: ClinVar variation 489501 (VCV000489501.8), dbSNP rs1554088797, ClinGen allele CA16038630.

ClinVar aggregate classification (germline): Uncertain significance. Review status: criteria provided, multiple submitters, no conflicts (2 of 4 stars). 2 submissions from 2 submitters: Uncertain significance (2). Last evaluated 2023-12-05.

Conditions:
Hereditary cancer-predisposing syndrome. Also called: Hereditary Cancer Syndrome; Neoplastic Syndromes, Hereditary; Tumor predisposition; Hereditary neoplastic syndrome. Identifiers: Orphanet 140162, MedGen C0027672, MeSH D009386, MONDO:0015356.

gnomAD v4.1: 1 of 1,613,944 alleles (0.000062%); highest among the groups gnomAD compares: South Asian, 0.0011%; no homozygotes.

Submissions (2):

Color Diagnostics, LLC DBA Color Health
Classification: Uncertain significance for Hereditary cancer-predisposing syndrome. Last evaluated: 2023-12-05. Review status: criteria provided, single submitter. Criteria: ACMG Guidelines, 2015. Collection method: clinical testing. Allele origin: germline.
Comment: This missense variant replaces aspartic acid with asparagine at codon 2656 of the APC protein. Computational prediction suggests that this variant may not impact protein structure and function (internally defined REVEL score threshold <= 0.5, PMID: 27666373). To our knowledge, functional studies have not been reported for this variant. This variant has not been reported in individuals affected with APC-related disorders in the literature. This variant has not been identified in the general population by the Genome Aggregation Database (gnomAD). The available evidence is insufficient to determine the role of this variant in disease conclusively. Therefore, this variant is classified as a Variant of Uncertain Significance.

Ambry Genetics
Classification: Uncertain significance for Hereditary cancer-predisposing syndrome. Last evaluated: 2022-10-24. Review status: criteria provided, single submitter. Criteria: Ambry Variant Classification Scheme 2023. Collection method: clinical testing. Allele origin: germline.
Comment: The p.D2656N variant (also known as c.7966G>A), located in coding exon 15 of the APC gene, results from a G to A substitution at nucleotide position 7966. The aspartic acid at codon 2656 is replaced by asparagine, an amino acid with highly similar properties. This amino acid position is conserved. In addition, in silico predictors for this gene do not accurately predict pathogenicity. Since supporting evidence is limited at this time, the clinical significance of this alteration remains unclear.